The following is an entry in ClinVar:

ClinVar aggregate classification (germline): Uncertain significance (1 of 4 stars; one submission).

Conditions:
Pierpont syndrome (PRPTS). Identifiers: Orphanet 487825, MedGen C1865644, MONDO:0011213, OMIM 602342.

Allele frequency attached by ClinVar (database versions not stated): gnomAD exomes below 0.00001; TOPMed 0.00001.
gnomAD v4.1: 1 of 1,613,804 alleles (0.000062%); highest among the groups gnomAD compares: Non-Finnish European, 0.000085%; no homozygotes.

Submission:

Labcorp Genetics (formerly Invitae), Labcorp
Classification: Uncertain significance for Pierpont syndrome. Last evaluated: 2024-01-23. Review status: criteria provided, single submitter. Criteria: Invitae Variant Classification Sherloc (09022015). Collection method: clinical testing. Allele origin: germline.
Comment: This sequence change replaces threonine, which is neutral and polar, with alanine, which is neutral and non-polar, at codon 207 of the TBL1XR1 protein (p.Thr207Ala). This variant is not present in population databases (gnomAD no frequency). This variant has not been reported in the literature in individuals affected with TBL1XR1-related conditions. ClinVar contains an entry for this variant (Variation ID: 2151345). Advanced modeling of protein sequence and biophysical properties (such as structural, functional, and spatial information, amino acid conservation, physicochemical variation, residue mobility, and thermodynamic stability) performed at Invitae indicates that this missense variant is not expected to disrupt TBL1XR1 protein function with a negative predictive value of 95%. In summary, the available evidence is currently insufficient to determine the role of this variant in disease. Therefore, it has been classified as a Variant of Uncertain Significance.

NM_024665.7(TBL1XR1):c.619A>G (p.Thr207Ala)

Gene: TBL1XR1 (TBL1X/Y related 1; minus strand). Cytogenetic location: 3q26.32.
Variant type: single nucleotide variant.
Coding change: c.619A>G on transcript NM_024665.7 (MANE Select); coding-DNA position 619, A replaced by G.
Protein change: p.Thr207Ala; replaces threonine 207 with alanine.
Molecular consequence: missense variant.
Genome position (GRCh38, 1-based): chr3:177,050,080, T>C on the plus strand (A>G on the coding strand, the complement: TBL1XR1 is on the minus strand). VCF-style: chr3-177050080-T-C. GRCh37 (hg19) VCF-style: chr3-176767868-T-C.
Other names: c.619A>G, p.Thr207Ala (NM_001321193.3, NM_001321194.3, NM_001374327.1 and 2 more transcripts); c.358A>G, p.Thr120Ala (NM_001321195.3, NM_001374330.1); short protein forms T120A, T207A.
Identifiers: ClinVar variation 2151345 (VCV002151345.4), dbSNP rs1716849807, ClinGen allele CA355552568.